The following is an entry in ClinVar:

ClinVar aggregate classification (germline): Uncertain significance (1 of 4 stars; one submission).

Conditions:
Shashi-Pena syndrome (SHAPNS). Identifiers: Orphanet 689408, MedGen C4310672, MONDO:0014963, OMIM 617190.

Allele frequency attached by ClinVar (database versions not stated): gnomAD exomes 0.00001; TOPMed 0.00001; ExAC 0.00002.
gnomAD v4.1: 8 of 1,613,984 alleles (0.0005%); highest among the groups gnomAD compares: Non-Finnish European, 0.00068%; no homozygotes.

Submission:

Baylor Genetics
Classification: Uncertain significance for Shashi-Pena syndrome. Last evaluated: 2018-01-10. Review status: criteria provided, single submitter. Criteria: ACMG Guidelines, 2015. Collection method: clinical testing. Allele origin: paternal. Affected: yes.
Comment: This variant was determined to be of uncertain significance according to ACMG Guidelines, 2015 [PMID:25741868].

NM_018263.6(ASXL2):c.3491C>T (p.Thr1164Ile)

Gene: ASXL2 (ASXL transcriptional regulator 2; minus strand). Cytogenetic location: 2p23.3.
Variant type: single nucleotide variant.
Coding change: c.3491C>T on transcript NM_018263.6 (MANE Select); coding-DNA position 3491, C replaced by T.
Protein change: p.Thr1164Ile; replaces threonine 1164 with isoleucine.
Molecular consequence: missense variant.
Genome position (GRCh38, 1-based): chr2:25,742,846, G>A on the plus strand (C>T on the coding strand, the complement: ASXL2 is on the minus strand). VCF-style: chr2-25742846-G-A. GRCh37 (hg19) VCF-style: chr2-25965715-G-A.
Other names: c.3317C>T, p.Thr1106Ile (NM_001369346.1); c.2711C>T, p.Thr904Ile (NM_001369347.1); short protein forms T1164I, T1106I, T904I.
Identifiers: ClinVar variation 1032032 (VCV001032032.1), dbSNP rs773618990, ClinGen allele CA1557466.